The following is an entry in ClinVar:

ClinVar aggregate classification (germline): Uncertain significance (1 of 4 stars; one submission).

Allele frequency attached by ClinVar (database versions not stated): TOPMed 0.00004.
gnomAD v4.1: 5 of 1,614,092 alleles (0.00031%); highest among the groups gnomAD compares: African/African-American, 0.004%; no homozygotes.

Submission:

Labcorp Genetics (formerly Invitae), Labcorp
Classification: Uncertain significance. Last evaluated: 2022-05-25. Review status: criteria provided, single submitter. Criteria: Invitae Variant Classification Sherloc (09022015). Collection method: clinical testing. Allele origin: germline.
Comment: In summary, the available evidence is currently insufficient to determine the role of this variant in disease. Therefore, it has been classified as a Variant of Uncertain Significance. Algorithms developed to predict the effect of missense changes on protein structure and function are either unavailable or do not agree on the potential impact of this missense change (SIFT: "Deleterious"; PolyPhen-2: "Possibly Damaging"; Align-GVGD: "Class C0"). This variant has not been reported in the literature in individuals affected with MYO1E-related conditions. This variant is present in population databases (rs746479279, gnomAD 0.007%). This sequence change replaces leucine, which is neutral and non-polar, with valine, which is neutral and non-polar, at codon 826 of the MYO1E protein (p.Leu826Val).

NM_004998.4(MYO1E):c.2476C>G (p.Leu826Val)

Gene: MYO1E (myosin IE; minus strand). Cytogenetic location: 15q22.2.
Variant type: single nucleotide variant.
Coding change: c.2476C>G on transcript NM_004998.4 (MANE Select); coding-DNA position 2476, C replaced by G.
Protein change: p.Leu826Val; replaces leucine 826 with valine.
Molecular consequence: missense variant.
Genome position (GRCh38, 1-based): chr15:59,171,901, G>C on the plus strand (C>G on the coding strand, the complement: MYO1E is on the minus strand). VCF-style: chr15-59171901-G-C. GRCh37 (hg19) VCF-style: chr15-59464100-G-C.
Other names: short protein forms L826V.
Identifiers: ClinVar variation 2170960 (VCV002170960.4), dbSNP rs746479279, ClinGen allele CA7589240.